The following is an entry in ClinVar:

NM_025144.4(ALPK1):c.1928C>T (p.Ser643Leu)

Gene: ALPK1 (alpha kinase 1; plus strand). Cytogenetic location: 4q25.
Variant type: single nucleotide variant.
Coding change: c.1928C>T on transcript NM_025144.4 (MANE Select); coding-DNA position 1928, C replaced by T.
Protein change: p.Ser643Leu; replaces serine 643 with leucine.
Molecular consequence: missense variant.
Genome position (GRCh38, 1-based): chr4:112,431,475, C>T. VCF-style: chr4-112431475-C-T. GRCh37 (hg19) VCF-style: chr4-113352631-C-T.
Other names: c.1928C>T, p.Ser643Leu (NM_001102406.2); c.1694C>T, p.Ser565Leu (NM_001253884.2); short protein forms S643L, S565L.
Identifiers: ClinVar variation 1943411 (VCV001943411.5), dbSNP rs571521627, ClinGen allele CA3046829.

ClinVar aggregate classification (germline): Uncertain significance (1 of 4 stars; one submission).

Allele frequency attached by ClinVar (database versions not stated): TOPMed below 0.00001; gnomAD 0.00001; gnomAD exomes 0.00001; ExAC 0.00002; 1000 Genomes Project 30x 0.00016; 1000 Genomes Project 0.00020.

Submission:

Labcorp Genetics (formerly Invitae), Labcorp
Classification: Uncertain significance. Last evaluated: 2025-12-01. Review status: criteria provided, single submitter. Criteria: Invitae Variant Classification Sherloc (09022015). Collection method: clinical testing. Allele origin: germline.
Comment: This sequence change replaces serine, which is neutral and polar, with leucine, which is neutral and non-polar, at codon 643 of the ALPK1 protein (p.Ser643Leu). This variant is present in population databases (rs571521627, gnomAD 0.009%). This variant has not been reported in the literature in individuals affected with ALPK1-related conditions. ClinVar contains an entry for this variant (Variation ID: 1943411). Invitae Evidence Modeling of protein sequence and biophysical properties (such as structural, functional, and spatial information, amino acid conservation, physicochemical variation, residue mobility, and thermodynamic stability) indicates that this missense variant is not expected to disrupt ALPK1 protein function with a negative predictive value of 80%. In summary, the available evidence is currently insufficient to determine the role of this variant in disease. Therefore, it has been classified as a Variant of Uncertain Significance.